The following is an entry in ClinVar:

NM_032888.4(COL27A1):c.4178C>T (p.Pro1393Leu)

Genes: COL27A1 (collagen type XXVII alpha 1 chain; plus strand), LOC126860736 (MED14-independent group 3 enhancer GRCh37_chr9:117050487-117051686; plus strand). Cytogenetic location: 9q32.
Variant type: single nucleotide variant.
Coding change: c.4178C>T on transcript NM_032888.4 (MANE Select); coding-DNA position 4178, C replaced by T.
Protein change: p.Pro1393Leu; replaces proline 1393 with leucine.
Molecular consequence: missense variant.
Genome position (GRCh38, 1-based): chr9:114,289,267, C>T. VCF-style: chr9-114289267-C-T. GRCh37 (hg19) VCF-style: chr9-117051547-C-T.
Other names: c.4178C>T (NM_032888.2); short protein forms P1393L.
Identifiers: ClinVar variation 2153145 (VCV002153145.2), dbSNP rs762507600, ClinGen allele CA5202845.

ClinVar aggregate classification (germline): Uncertain significance. Review status: criteria provided, multiple submitters, no conflicts (2 of 4 stars). 2 submissions from 2 submitters: Uncertain significance (2). Last evaluated 2022-12-27.

Conditions:
Inborn genetic diseases. Identifiers: MedGen C0950123, MeSH D030342.

Allele frequency attached by ClinVar (database versions not stated): gnomAD 0.00003; TOPMed 0.00003; gnomAD exomes 0.00004; ExAC 0.00009.
gnomAD v4.1: 61 of 1,594,978 alleles (0.0038%); highest among the groups gnomAD compares: Middle Eastern, 0.017%; no homozygotes.

Submissions (2):

Ambry Genetics
Classification: Uncertain significance for Inborn genetic diseases. Last evaluated: 2022-12-27. Review status: criteria provided, single submitter. Criteria: Ambry Variant Classification Scheme 2023. Collection method: clinical testing. Allele origin: germline.

Labcorp Genetics (formerly Invitae), Labcorp
Classification: Uncertain significance. Last evaluated: 2021-09-17. Review status: criteria provided, single submitter. Criteria: Invitae Variant Classification Sherloc (09022015). Collection method: clinical testing. Allele origin: germline.
Comment: This sequence change replaces proline with leucine at codon 1393 of the COL27A1 protein (p.Pro1393Leu). The proline residue is highly conserved and there is a moderate physicochemical difference between proline and leucine. This variant is present in population databases (rs762507600, ExAC 0.02%). This variant has not been reported in the literature in individuals affected with COL27A1-related conditions. Advanced modeling of protein sequence and biophysical properties (such as structural, functional, and spatial information, amino acid conservation, physicochemical variation, residue mobility, and thermodynamic stability) performed at Invitae indicates that this missense variant is not expected to disrupt COL27A1 protein function. In summary, the available evidence is currently insufficient to determine the role of this variant in disease. Therefore, it has been classified as a Variant of Uncertain Significance.